The following is an entry in ClinVar:

NM_201548.5(CERKL):c.1175G>A (p.Trp392Ter)

Gene: CERKL (CERK like autophagy regulator; minus strand). Cytogenetic location: 2q31.3.
Variant type: single nucleotide variant.
Coding change: c.1175G>A on transcript NM_201548.5 (MANE Select); coding-DNA position 1175, G replaced by A.
Protein change: p.Trp392Ter; replaces tryptophan 392 with a stop codon.
Molecular consequence: nonsense. On other transcripts: non-coding transcript variant (2).
Genome position (GRCh38, 1-based): chr2:181,547,711, C>T on the plus strand (G>A on the coding strand, the complement: CERKL is on the minus strand). VCF-style: chr2-181547711-C-T. GRCh37 (hg19) VCF-style: chr2-182412438-C-T.
Other names: c.1253G>A, p.Trp418Ter (NM_001030311.3); c.836G>A, p.Trp279Ter (NM_001030312.3); c.968G>A, p.Trp323Ter (NM_001030313.3); c.1121G>A, p.Trp374Ter (NM_001160277.2); short protein forms W279*, W323*, W374*, W392*, W418*.
Identifiers: ClinVar variation 4814534 (VCV004814534.1).

ClinVar aggregate classification (germline): Likely pathogenic (1 of 4 stars; one submission).

Conditions:
Retinitis pigmentosa 26 (RP26). Identifiers: Orphanet 791, MedGen C1842127, MONDO:0012024, OMIM 608380.

gnomAD v4.1: 1 of 1,613,968 alleles (0.000062%); highest among the groups gnomAD compares: Non-Finnish European, 0.000085%; no homozygotes.

Submission:

Natera, Inc.
Classification: Likely pathogenic for Retinitis Pigmentosa 26. Last evaluated: 2024-08-08. Review status: criteria provided, single submitter. Criteria: Natera Variant Classification Schema (03/2026). Collection method: clinical testing. Allele origin: germline.
Comment: The c.1253G>A variant in CERKL is a nonsense variant predicted to introduce a stop codon at amino acid 418. This variant is expected to result in nonsense mediated decay, truncation, or a dysfunctional protein product. This variant is rare in the general population with a frequency below the threshold expected for the associated phenotype(s). Given the available evidence, this variant is classified as Likely Pathogenic.